The following is an entry in ClinVar:

ClinVar aggregate classification (germline): Uncertain significance (1 of 4 stars; one submission).

Submission:

Labcorp Genetics (formerly Invitae), Labcorp
Classification: Uncertain significance. Last evaluated: 2022-03-27. Review status: criteria provided, single submitter. Criteria: Invitae Variant Classification Sherloc (09022015). Collection method: clinical testing. Allele origin: germline.
Comment: In summary, the available evidence is currently insufficient to determine the role of this variant in disease. Therefore, it has been classified as a Variant of Uncertain Significance. Algorithms developed to predict the effect of missense changes on protein structure and function are either unavailable or do not agree on the potential impact of this missense change (SIFT: "Tolerated"; PolyPhen-2: "Not Available"; Align-GVGD: "Class C0"). This variant has not been reported in the literature in individuals affected with CDH23-related conditions. This variant is not present in population databases (gnomAD no frequency). This sequence change replaces threonine, which is neutral and polar, with serine, which is neutral and polar, at codon 2906 of the CDH23 protein (p.Thr2906Ser).

NM_022124.6(CDH23):c.8717C>G (p.Thr2906Ser)

Gene: CDH23 (cadherin related 23; plus strand). Cytogenetic location: 10q22.1.
Variant type: single nucleotide variant.
Coding change: c.8717C>G on transcript NM_022124.6 (MANE Select); coding-DNA position 8717, C replaced by G.
Protein change: p.Thr2906Ser; replaces threonine 2906 with serine.
Molecular consequence: missense variant.
Genome position (GRCh38, 1-based): chr10:71,808,002, C>G. VCF-style: chr10-71808002-C-G. GRCh37 (hg19) VCF-style: chr10-73567759-C-G.
Other names: c.1997C>G, p.Thr666Ser (NM_001171933.1, NM_001171934.1); short protein forms T2906S, T666S.
Identifiers: ClinVar variation 2118158 (VCV002118158.4), dbSNP rs780345006, ClinGen allele CA377132824.
Genomic context (GRCh38, chr10:71,808,002, plus strand): 5'-TGGCCATCCACTACTTCCGGGCCCTTGCCAACGACTCTGAAGATGTGGGCCAGGTCTTCA[C>G]CATGGGTAGGGCCTGGCAGCACATGAGTGGCCTCTAGCCATGACCTCTCAGTCACTGCAT-3'
Protein context (NP_071407.4, residues 2896-2916): NDSEDVGQVF[Thr2906Ser]MGSMDGILRT